The following is an entry in ClinVar:

ClinVar aggregate classification (germline): Likely benign (0 of 4 stars; one submission).

Conditions:
DYRK1B-related disorder. Also called: DYRK1B-related condition.

Submission:

PreventionGenetics, part of Exact Sciences
Classification: Likely benign for DYRK1B-related condition. Last evaluated: 2021-07-12. Review status: no assertion criteria provided. Collection method: clinical testing. Allele origin: germline.
Comment: This variant is classified as likely benign based on ACMG/AMP sequence variant interpretation guidelines (Richards et al. 2015 PMID: 25741868, with internal and published modifications).

NM_004714.3(DYRK1B):c.1080G>A (p.Thr360=)

Gene: DYRK1B (dual specificity tyrosine phosphorylation regulated kinase 1B; minus strand). Cytogenetic location: 19q13.2.
Variant type: single nucleotide variant.
Coding change: c.1080G>A on transcript NM_004714.3 (MANE Select); coding-DNA position 1080, G replaced by A.
Protein change: p.Thr360=; no amino-acid change (threonine 360 retained).
Molecular consequence: synonymous variant.
Genome position (GRCh38, 1-based): chr19:39,827,300, C>T on the plus strand (G>A on the coding strand, the complement: DYRK1B is on the minus strand). VCF-style: chr19-39827300-C-T. GRCh37 (hg19) VCF-style: chr19-40317940-C-T.
Other names: c.1080G>A, p.Thr360= (NM_006483.3, NM_006484.3).
Identifiers: ClinVar variation 3351894 (VCV003351894.1).